The following is an entry in ClinVar:

NM_002945.5(RPA1):c.442A>G (p.Ser148Gly)

Gene: RPA1 (replication protein A1; plus strand). Cytogenetic location: 17p13.3.
Variant type: single nucleotide variant.
Coding change: c.442A>G on transcript NM_002945.5 (MANE Select); coding-DNA position 442, A replaced by G.
Protein change: p.Ser148Gly; replaces serine 148 with glycine.
Molecular consequence: missense variant.
Genome position (GRCh38, 1-based): chr17:1,872,514, A>G. VCF-style: chr17-1872514-A-G. GRCh37 (hg19) VCF-style: chr17-1775808-A-G.
Other names: c.403A>G, p.Ser135Gly (NM_001355120.2); c.442A>G, p.Ser148Gly (NM_001355121.2); short protein forms S135G, S148G.
Identifiers: ClinVar variation 4531641 (VCV004531641.1).

ClinVar aggregate classification (germline): Uncertain significance (1 of 4 stars; one submission).

Conditions:
Pulmonary fibrosis and/or bone marrow failure, telomere-related, 6 (PFBMFT6). Also called: PULMONARY FIBROSIS AND/OR BONE MARROW FAILURE SYNDROME, TELOMERE-RELATED, 6. Identifiers: MedGen C5676927, MONDO:0030690, OMIM 619767.

gnomAD v4.1: 5 of 1,613,812 alleles (0.00031%); highest among the groups gnomAD compares: Admixed American, 0.0017%; no homozygotes.

Submission:

Victorian Clinical Genetics Services, Murdoch Childrens Research Institute
Classification: Uncertain significance for Pulmonary fibrosis and/or bone marrow failure, telomere-related, 6. Last evaluated: 2024-11-08. Review status: criteria provided, single submitter. Criteria: ACMG Guidelines, 2015. Collection method: clinical testing. Allele origin: germline. Affected: yes.
Comment: This variant is classified as VUS-3C. Evidence in support of pathogenic classification: Variant is present in gnomAD <0.001 for a dominant condition (v4: 5 heterozygote(s), 0 homozygote(s)). Evidence in support of benign classification: Missense variant predicted to be tolerated by an in silico tool or not conserved in placental mammals with a minor amino acid change. Additional information: Variant is predicted to result in a missense amino acid change from serine to glycine; This variant is heterozygous; This gene is associated with autosomal dominant disease; This variant has no previous evidence of pathogenicity; No published segregation evidence has been identified for this variant; No published functional evidence has been identified for this variant; No comparable missense variants have previous evidence for pathogenicity; Variant is not located in an established domain, motif, hotspot or informative constraint region; The mechanism of disease for this gene is not clearly established. However, gain of function is suggested (PMID: 34767620); Variants in this gene are known to have variable expressivity (OMIM); Inheritance information for this variant is not currently available in this individual.

Literature cited by the submitters: PubMed 34767620.